The following is an entry in ClinVar:

ClinVar aggregate classification (germline): Uncertain significance (1 of 4 stars; one submission).

Submission:

GeneDx
Classification: Uncertain significance. Last evaluated: 2022-04-11. Review status: criteria provided, single submitter. Criteria: GeneDx Variant Classification Process June 2021. Collection method: clinical testing. Allele origin: germline. Affected: yes.
Comment: Has not been previously published as pathogenic or benign to our knowledge; Not observed at significant frequency in large population cohorts (gnomAD); In silico analysis supports that this missense variant does not alter protein structure/function

NM_000093.5(COL5A1):c.4824G>A (p.Met1608Ile)

Genes: COL5A1 (collagen type V alpha 1 chain; plus strand), LOC101448202 (uncharacterized LOC101448202; minus strand). Cytogenetic location: 9q34.3.
Variant type: single nucleotide variant.
Coding change: c.4824G>A on transcript NM_000093.5 (MANE Select); coding-DNA position 4824, G replaced by A.
Protein change: p.Met1608Ile; replaces methionine 1608 with isoleucine.
Molecular consequence: missense variant.
Genome position (GRCh38, 1-based): chr9:134,824,725, G>A. VCF-style: chr9-134824725-G-A. GRCh37 (hg19) VCF-style: chr9-137716571-G-A.
Other names: c.4824G>A, p.Met1608Ile (NM_001278074.1); short protein forms M1608I.
Identifiers: ClinVar variation 1710766 (VCV001710766.2), dbSNP rs989675390, ClinGen allele CA201100697.
Genomic context (GRCh38, chr9:134,824,725, plus strand): 5'-CGCCAGCCAGCTGCTGGACGACGGGAATGGCGAGAACTACGTGGACTACGCGGACGGCAT[G>A]GAAGAGATCTTCGGCTCTCTCAACTCTCTGAAGCTGGAGATTGAGCAGATGAAACGGCCC-3'
Protein context (NP_000084.3, residues 1598-1618): GENYVDYADG[Met1608Ile]EEIFGSLNSL